The following is an entry in ClinVar:

ClinVar aggregate classification (germline): Benign/Likely benign. Review status: criteria provided, multiple submitters, no conflicts (2 of 4 stars). 6 submissions from 6 submitters: Benign (1); Likely benign (5). Last evaluated 2025-09-10.

Conditions:
Hereditary nonpolyposis colorectal neoplasms. Identifiers: MedGen C0009405, MeSH D003123.
Hereditary cancer-predisposing syndrome. Also called: Neoplastic Syndromes, Hereditary; Tumor predisposition; Hereditary Cancer Syndrome; Hereditary neoplastic syndrome. Identifiers: Orphanet 140162, MedGen C0027672, MeSH D009386, MONDO:0015356.
Lynch syndrome. Identifiers: Orphanet 144, MedGen C4552100, MONDO:0005835. Disease mechanism: loss of function.
Lynch syndrome 4 (LYNCH4). Also called: Colorectal cancer, hereditary nonpolyposis, type 4; Hereditary non-polyposis colorectal cancer, type 4. Identifiers: Orphanet 144, MedGen C1838333, MONDO:0013699, OMIM 614337. Disease mechanism: loss of function.

Allele frequency attached by ClinVar (database versions not stated): gnomAD exomes below 0.00001; ExAC 0.00001.

Submissions (6):

Labcorp Genetics (formerly Invitae), Labcorp
Classification: Likely benign for Hereditary nonpolyposis colorectal neoplasms. Last evaluated: 2025-09-10. Review status: criteria provided, single submitter. Criteria: Invitae Variant Classification Sherloc (09022015). Collection method: clinical testing. Allele origin: germline.

Myriad Genetics, Inc.
Classification: Benign for Lynch syndrome 4. Last evaluated: 2025-01-23. Review status: criteria provided, single submitter. Criteria: Myriad Autosomal Dominant, Autosomal Recessive and X-Linked Classification Criteria (2023). Collection method: clinical testing. Allele origin: unknown.
Comment: This variant is considered benign. This variant is a silent/synonymous amino acid change and it is not expected to impact splicing.

All of Us Research Program, National Institutes of Health
Classification: Likely benign for Lynch syndrome. Last evaluated: 2023-05-04. Review status: criteria provided, single submitter. Criteria: ACMG Guidelines, 2015. Collection method: clinical testing. Allele origin: germline. Inheritance: Autosomal dominant inheritance. Observed: 1 variant allele, 1 heterozygote.
Comment: This study involves interpretation of variants in research participants for the purpose of population health screening. Participant phenotype was not available at the time of variant classification. Additional details can be found in publication PMID: 35346344, PMCID: PMC8962531

Ambry Genetics
Classification: Likely benign for Hereditary cancer-predisposing syndrome. Last evaluated: 2022-05-26. Review status: criteria provided, single submitter. Criteria: Ambry Variant Classification Scheme 2023. Collection method: clinical testing. Allele origin: germline.

Color Diagnostics, LLC DBA Color Health
Classification: Likely benign for Hereditary cancer-predisposing syndrome. Last evaluated: 2020-07-21. Review status: criteria provided, single submitter. Criteria: ACMG Guidelines, 2015. Collection method: clinical testing. Allele origin: germline.

GeneDx
Classification: Likely benign. Last evaluated: 2018-06-08. Review status: criteria provided, single submitter. Criteria: GeneDx Variant Classification (06012015). Collection method: clinical testing. Allele origin: germline. Affected: yes.
Comment: This variant is considered likely benign or benign based on one or more of the following criteria: it is a conservative change, it occurs at a poorly conserved position in the protein, it is predicted to be benign by multiple in silico algorithms, and/or has population frequency not consistent with disease.

NM_000535.7(PMS2):c.96A>G (p.Val32=)

Gene: PMS2 (PMS1 homolog 2, mismatch repair system component; minus strand). Cytogenetic location: 7p22.1.
Variant type: single nucleotide variant.
Coding change: c.96A>G on transcript NM_000535.7 (MANE Select); coding-DNA position 96, A replaced by G.
Protein change: p.Val32=; no amino-acid change (valine 32 retained).
Molecular consequence: synonymous variant. On other transcripts: 5 prime UTR variant (8), non-coding transcript variant (1), intron variant (3).
Genome position (GRCh38, 1-based): chr7:6,005,959, T>C on the plus strand (A>G on the coding strand, the complement: PMS2 is on the minus strand). VCF-style: chr7-6005959-T-C. GRCh37 (hg19) VCF-style: chr7-6045590-T-C.
Other names: c.-310A>G (NM_001322003.2, NM_001322005.2, NM_001322009.2 and 1 more transcripts); c.96A>G, p.Val32= (NM_001322006.2, NM_001322014.2); c.-120A>G (NM_001322007.2); c.-789A>G (NM_001322011.2, NM_001322012.2); c.-389A>G (NM_001322015.2); c.-52-1901A>G (NM_001322008.2); c.-242-1901A>G (NM_001322010.2, NM_001322004.2).
Identifiers: ClinVar variation 525919 (VCV000525919.18), dbSNP rs746089731, ClinGen allele CA052654.